The following is an entry in ClinVar:

ClinVar aggregate classification (germline): Uncertain significance (1 of 4 stars; one submission).

Submission:

Ambry Genetics
Classification: Uncertain significance. Last evaluated: 2023-04-03. Review status: criteria provided, single submitter. Criteria: Ambry Variant Classification Scheme 2023. Collection method: clinical testing. Allele origin: germline.
Comment: The p.P228T variant (also known as c.682C>A), located in coding exon 4 of the MNDA gene, results from a C to A substitution at nucleotide position 682. The proline at codon 228 is replaced by threonine, an amino acid with highly similar properties. This amino acid position is conserved. In addition, this alteration is predicted to be tolerated by in silico analysis. Since supporting evidence is limited at this time, the clinical significance of this alteration remains unclear.

NM_002432.3(MNDA):c.682C>A (p.Pro228Thr)

Gene: MNDA (myeloid cell nuclear differentiation antigen; plus strand). Cytogenetic location: 1q23.1.
Variant type: single nucleotide variant.
Coding change: c.682C>A on transcript NM_002432.3 (MANE Select); coding-DNA position 682, C replaced by A.
Protein change: p.Pro228Thr; replaces proline 228 with threonine.
Molecular consequence: missense variant.
Genome position (GRCh38, 1-based): chr1:158,845,698, C>A. VCF-style: chr1-158845698-C-A. GRCh37 (hg19) VCF-style: chr1-158815488-C-A.
Other names: short protein forms P228T.
Identifiers: ClinVar variation 2563142 (VCV002563142.2), dbSNP rs2102051839, ClinGen allele CA343041047.